The following is an entry in ClinVar:

NM_005120.3(MED12):c.21G>T (p.Leu7Phe)

Gene: MED12 (mediator complex subunit 12; plus strand). Cytogenetic location: Xq13.1.
Variant type: single nucleotide variant.
Coding change: c.21G>T on transcript NM_005120.3 (MANE Select); coding-DNA position 21, G replaced by T.
Protein change: p.Leu7Phe; replaces leucine 7 with phenylalanine.
Molecular consequence: missense variant.
Genome position (GRCh38, 1-based): chrX:71,118,775, G>T. VCF-style: chrX-71118775-G-T. GRCh37 (hg19) VCF-style: chrX-70338625-G-T.
Other names: short protein forms L7F.
Identifiers: ClinVar variation 4635403 (VCV004635403.1).

ClinVar aggregate classification (germline): Uncertain significance (1 of 4 stars; one submission).

Conditions:
Familial thoracic aortic aneurysm and aortic dissection (TAAD). Also called: Thoracic aortic aneurysms and dissections. Identifiers: Orphanet 91387, MedGen C4707243, MONDO:0019625.

gnomAD v4.1: 1 of 1,209,422 alleles (0.000083%); no homozygotes.

Submission:

Ambry Genetics
Classification: Uncertain significance for Familial thoracic aortic aneurysm and aortic dissection. Last evaluated: 2025-10-14. Review status: criteria provided, single submitter. Criteria: Ambry Variant Classification Scheme 2023. Collection method: clinical testing. Allele origin: germline.
Comment: The p.L7F variant (also known as c.21G>T), located in coding exon 1 of the MED12 gene, results from a G to T substitution at nucleotide position 21. The leucine at codon 7 is replaced by phenylalanine, an amino acid with highly similar properties. This amino acid position is conserved. In addition, this alteration is predicted to be tolerated by in silico analysis. Based on the available evidence, the clinical significance of this variant remains unclear.